The following is an entry in ClinVar:

ClinVar aggregate classification (germline): Uncertain significance (1 of 4 stars; one submission).

Conditions:
Cardiovascular phenotype. Identifiers: MedGen CN230736.

gnomAD v4.1: 4 of 1,614,020 alleles (0.00025%); highest among the groups gnomAD compares: Non-Finnish European, 0.00034%; no homozygotes.

Submission:

Ambry Genetics
Classification: Uncertain significance for Cardiovascular phenotype. Last evaluated: 2023-07-20. Review status: criteria provided, single submitter. Criteria: Ambry Variant Classification Scheme 2023. Collection method: clinical testing. Allele origin: germline.
Comment: The c.234+1G>T intronic variant results from a G to T substitution one nucleotide after coding exon 2 of the SCN4B gene. This nucleotide position is highly conserved in available vertebrate species. In silico splice site analysis predicts that this alteration will weaken the native splice donor site. Alterations that disrupt the canonical splice site are expected to cause aberrant splicing, resulting in an abnormal protein or a transcript that is subject to nonsense-mediated mRNA decay. However, the evidence for this gene-disease relationship is limited; therefore, the clinical significance of this alteration is unclear.

NM_174934.4(SCN4B):c.234+1G>T

Gene: SCN4B (sodium voltage-gated channel beta subunit 4; minus strand). Cytogenetic location: 11q23.3.
Variant type: single nucleotide variant.
Coding change: c.234+1G>T on transcript NM_174934.4 (MANE Select); the canonical splice donor site of the intron after coding-DNA position 234, G replaced by T.
Molecular consequence: splice donor variant. On other transcripts: intron variant (1).
Genome position (GRCh38, 1-based): chr11:118,145,056, C>A on the plus strand (G>T on the coding strand, the complement: SCN4B is on the minus strand). VCF-style: chr11-118145056-C-A. GRCh37 (hg19) VCF-style: chr11-118015771-C-A.
Other names: c.62-3720G>T (NM_001142348.2); c.-97+1G>T (NM_001142349.2).
Identifiers: ClinVar variation 2625086 (VCV002625086.2), dbSNP rs1341627207, ClinGen allele CA382778475.